The following is an entry in ClinVar:

ClinVar aggregate classification (germline): Uncertain significance (1 of 4 stars; one submission).

Conditions:
Primary ciliary dyskinesia. Also called: Ciliary dyskinesia. Identifiers: Orphanet 244, MedGen C0008780, MONDO:0016575, HP:0012265.

Submission:

Labcorp Genetics (formerly Invitae), Labcorp
Classification: Uncertain significance for Primary ciliary dyskinesia. Last evaluated: 2023-03-20. Review status: criteria provided, single submitter. Criteria: Invitae Variant Classification Sherloc (09022015). Collection method: clinical testing. Allele origin: germline.
Comment: This variant has not been reported in the literature in individuals affected with DNAH8-related conditions. In summary, the available evidence is currently insufficient to determine the role of this variant in disease. Therefore, it has been classified as a Variant of Uncertain Significance. Advanced modeling of protein sequence and biophysical properties (such as structural, functional, and spatial information, amino acid conservation, physicochemical variation, residue mobility, and thermodynamic stability) performed at Invitae indicates that this missense variant is not expected to disrupt DNAH8 protein function. This variant is not present in population databases (gnomAD no frequency). This sequence change replaces histidine, which is basic and polar, with tyrosine, which is neutral and polar, at codon 4585 of the DNAH8 protein (p.His4585Tyr).

NM_001206927.2(DNAH8):c.13753C>T (p.His4585Tyr)

Gene: DNAH8 (dynein axonemal heavy chain 8; plus strand). Cytogenetic location: 6p21.2.
Variant type: single nucleotide variant.
Coding change: c.13753C>T on transcript NM_001206927.2 (MANE Select); coding-DNA position 13753, C replaced by T.
Protein change: p.His4585Tyr; replaces histidine 4585 with tyrosine.
Molecular consequence: missense variant.
Genome position (GRCh38, 1-based): chr6:39,026,584, C>T. VCF-style: chr6-39026584-C-T. GRCh37 (hg19) VCF-style: chr6-38994360-C-T.
Other names: c.13102C>T, p.His4368Tyr (NM_001371.4); short protein forms H4585Y, H4368Y.
Identifiers: ClinVar variation 2764000 (VCV002764000.3), dbSNP rs2534150327, ClinGen allele CA363998755.